The following is an entry in ClinVar:

ClinVar aggregate classification (germline): Benign/Likely benign. Review status: criteria provided, multiple submitters, no conflicts (2 of 4 stars). 9 submissions from 9 submitters: Benign (3); Likely benign (3). 3 of the submissions do not count toward it. Last evaluated 2026-01-19.

Conditions:
Vitreoretinopathy. Also called: Vitreoretinal degeneration. Identifiers: MedGen C0344290, MONDO:0020248, HP:0007773.

Allele frequency attached by ClinVar (database versions not stated): gnomAD exomes 0.00297 and 0.00330; ExAC 0.00364; 1000 Genomes Project 30x 0.00094; 1000 Genomes Project 0.00120; gnomAD 0.00233 and 0.00270; ESP Exome Variant Server 0.00254; TOPMed 0.00284.
gnomAD v4.1: 5,189 of 1,613,758 alleles (0.32%); highest among the groups gnomAD compares: Middle Eastern, 0.64%; 14 homozygotes.

Submissions (9):

Labcorp Genetics (formerly Invitae), Labcorp
Classification: Benign. Last evaluated: 2026-01-19. Review status: criteria provided, single submitter. Criteria: Invitae Variant Classification Sherloc (09022015). Collection method: clinical testing. Allele origin: germline.

Blueprint Genetics
Classification: Likely benign. Last evaluated: 2024-11-23. Review status: criteria provided, single submitter. Criteria: ACMG Guidelines, 2015. Collection method: clinical testing. Allele origin: germline.

CeGaT Center for Human Genetics Tuebingen
Classification: Likely benign. Last evaluated: 2023-01-01. Review status: criteria provided, single submitter. Criteria: CeGaT Center For Human Genetics Tuebingen Variant Classification Criteria Version 2. Collection method: clinical testing. Allele origin: germline. Affected: yes. Observed: 5 variant alleles.
Comment: VCAN: BP4, BP7

Illumina Laboratory Services, Illumina
Classification: Benign for Vitreoretinopathy. Last evaluated: 2018-01-13. Review status: criteria provided, single submitter. Criteria: ICSL Variant Classification Criteria 13 December 2019. Collection method: clinical testing. Allele origin: germline.
Comment: This variant was observed in the ICSL laboratory as part of a predisposition screen in an ostensibly healthy population. It had not been previously curated by ICSL or reported in the Human Gene Mutation Database (HGMD: prior to June 1st, 2018), and was therefore a candidate for classification through an automated scoring system. Utilizing variant allele frequency, disease prevalence and penetrance estimates, and inheritance mode, an automated score was calculated to assess if this variant is too frequent to cause the disease. Based on the score and internal cut-off values, a variant classified as benign is not then subjected to further curation. The score for this variant resulted in a classification of benign for this disease.

Breakthrough Genomics
Classification: Likely benign. Review status: criteria provided, single submitter. Criteria: ACMG Guidelines, 2015. Collection method: not provided. Allele origin: germline. Inheritance: Autosomal dominant inheritance. Affected: yes.

PreventionGenetics, part of Exact Sciences
Classification: Benign. Review status: criteria provided, single submitter. Criteria: ACMG Guidelines, 2015. Collection method: clinical testing. Allele origin: germline.

Clinical Genetics DNA and cytogenetics Diagnostics Lab, Erasmus MC, Erasmus Medical Center
Classification: Likely benign. Review status: no assertion criteria provided. Collection method: clinical testing. Allele origin: germline. Affected: yes. Study: VKGL Data-share Consensus. Not counted in ClinVar's aggregate classification.

Clinical Genetics, Academic Medical Center
Classification: Benign. Review status: no assertion criteria provided. Collection method: clinical testing. Allele origin: germline. Affected: yes. Study: VKGL Data-share Consensus. Not counted in ClinVar's aggregate classification.

Genome Diagnostics Laboratory, Amsterdam University Medical Center
Classification: Benign. Review status: no assertion criteria provided. Collection method: clinical testing. Allele origin: germline. Affected: yes. Study: VKGL Data-share Consensus. Not counted in ClinVar's aggregate classification.

NM_004385.5(VCAN):c.9234G>A (p.Glu3078=)

Genes: VCAN-AS1 (VCAN antisense RNA 1; minus strand), VCAN (versican; plus strand). Cytogenetic location: 5q14.3.
Variant type: single nucleotide variant.
Coding change: c.9234G>A on transcript NM_004385.5 (MANE Select); coding-DNA position 9234, G replaced by A.
Protein change: p.Glu3078=; no amino-acid change (glutamic acid 3078 retained).
Molecular consequence: synonymous variant. On other transcripts: intron variant (2).
Genome position (GRCh38, 1-based): chr5:83,542,237, G>A. VCF-style: chr5-83542237-G-A. GRCh37 (hg19) VCF-style: chr5-82838056-G-A.
Other names: c.6273G>A, p.Glu2091= (NM_001164097.2); c.4004-3300G>A (NM_001164098.2); c.1043-3300G>A (NM_001126336.3).
Identifiers: ClinVar variation 259376 (VCV000259376.47), dbSNP rs139453864, ClinGen allele CA3333934.